The following is an entry in ClinVar:

ClinVar aggregate classification (germline): Uncertain significance. Review status: criteria provided, multiple submitters, no conflicts (2 of 4 stars). 2 submissions from 2 submitters: Uncertain significance (2). Last evaluated 2017-08-22.

Conditions:
Cardiovascular phenotype. Identifiers: MedGen CN230736.

Submissions (3):

Eurofins Ntd Llc (ga)
Classification: Uncertain significance. Last evaluated: 2017-08-22. Review status: criteria provided, single submitter. Criteria: EGL Classification Definitions 2015. Collection method: clinical testing. Allele origin: germline. Observed: 1 variant allele, 1 heterozygote.

Ambry Genetics
Classification: Uncertain significance for Cardiovascular phenotype. Last evaluated: 2016-07-16. Review status: criteria provided, single submitter. Criteria: Ambry Variant Classification Scheme 2023. Collection method: clinical testing. Allele origin: germline.
Comment: The p.L20P variant (also known as c.59T>C), located in coding exon 1 of the JAG1 gene, results from a T to C substitution at nucleotide position 59. The leucine at codon 20 is replaced by proline, an amino acid with similar properties. This alteration was detected in an individual with suspected Alagille syndrome; however, specific clinical symptoms were not provided (Guegan K, Clin. Genet. 2012; 82(1):33-40). This variant was not reported in population based cohorts in the following databases: Database of Single Nucleotide Polymorphisms (dbSNP), NHLBI Exome Sequencing Project (ESP), and 1000 Genomes Project. In the ESP, this variant was not observed in 5030 samples (10060 alleles) with coverage at this position. This amino acid position is well conserved in available vertebrate species. In addition, the in silico prediction for this alteration is inconclusive. Since supporting evidence is limited at this time, the clinical significance of p.L20P remains unclear.

Gilbert/Spinner Lab, Children's Hospital of Philadelphia
No classification provided (evidence only). Condition: Alagille syndrome. Review status: no classification provided. Collection method: research. Allele origin: not applicable. Functional consequence: functionally_abnormal. Not counted in ClinVar's aggregate classification.
ClinVar note: "not provided" was previously submitted as the classification for the variant. However, the classification appeared to be based only on an observation of functional data so it was converted to no classification on 2025-07-30.

Literature cited by the submitters: PubMed 21752016 (cited by Ambry Genetics); PubMed 26463753 (cited by Ambry Genetics).

NM_000214.3(JAG1):c.59T>C (p.Leu20Pro)

Gene: JAG1 (jagged canonical Notch ligand 1; minus strand). Cytogenetic location: 20p12.2.
Variant type: single nucleotide variant.
Coding change: c.59T>C on transcript NM_000214.3 (MANE Select); coding-DNA position 59, T replaced by C.
Protein change: p.Leu20Pro; replaces leucine 20 with proline.
Molecular consequence: missense variant.
Genome position (GRCh38, 1-based): chr20:10,673,472, A>G on the plus strand (T>C on the coding strand, the complement: JAG1 is on the minus strand). VCF-style: chr20-10673472-A-G. GRCh37 (hg19) VCF-style: chr20-10654120-A-G.
Other names: c.59T>C, p.Leu20Pro (LRG_1191t1); short protein forms L20P.
Identifiers: ClinVar variation 593602 (VCV000593602.9), dbSNP rs1568807442, ClinGen allele CA408244132.
Genomic context (GRCh38, chr20:10,673,472, plus strand): 5'-AGGACGGCTGGGAGGGAGGCCCGGAGAAGGGCTCCTACCTTGGCTCGCAGGGCACAGAGC[A>G]GGGCGAGCAGGAGGCTTAGGGGGCGCCCGGACCGGCCGCGCGTCCGTGGGGAACGCATCG-3'
Protein context (NP_000205.1, residues 10-30): SGRPLSLLLA[Leu20Pro]LCALRAKVCG